The following is an entry in ClinVar:

NM_015311.3(OBSL1):c.5683+1G>C

Gene: OBSL1 (obscurin like cytoskeletal adaptor 1; minus strand). Cytogenetic location: 2q35.
Variant type: single nucleotide variant.
Coding change: c.5683+1G>C on transcript NM_015311.3 (MANE Select); the canonical splice donor site of the intron after coding-DNA position 5683, G replaced by C.
Molecular consequence: splice donor variant.
Genome position (GRCh38, 1-based): chr2:219,551,528, C>G on the plus strand (G>C on the coding strand, the complement: OBSL1 is on the minus strand). VCF-style: chr2-219551528-C-G. GRCh37 (hg19) VCF-style: chr2-220416250-C-G.
Identifiers: ClinVar variation 2429255 (VCV002429255.6), dbSNP rs779577810, ClinGen allele CA2130162.

ClinVar aggregate classification (germline): Uncertain significance (1 of 4 stars; one submission).

Allele frequency attached by ClinVar (database versions not stated): TOPMed 0.00001; ExAC 0.00003.
gnomAD v4.1: 5 of 1,583,994 alleles (0.00032%); highest among the groups gnomAD compares: East Asian, 0.012%; no homozygotes.

Submission:

Women's Health and Genetics/Laboratory Corporation of America, LabCorp
Classification: Uncertain significance. Last evaluated: 2026-01-06. Review status: criteria provided, single submitter. Criteria: LabCorp Variant Classification Summary - May 2015. Collection method: clinical testing. Allele origin: germline.
Comment: Variant summary: OBSL1 c.5683+1G>C is located in a canonical splice-site in the last intron and is predicted to affect mRNA splicing resulting in a significantly altered protein due to either exon skipping, shortening, or inclusion of intronic material. Variants that disrupt the consensus splice site are a relatively common cause of aberrant splicing and loss of OBSL1 function. Several computational tools predict a significant impact on normal splicing: Four predict the variant abolishes a 5' splicing donor site. However, these predictions have yet to be confirmed by functional studies. The variant allele was found at a frequency of 1.5e-05 in 202956 control chromosomes. The available data on variant occurrences in the general population are insufficient to allow any conclusion about variant significance. c.5683+1G>C has been observed in an individual affected with clinical features of Three M Syndrome (Luo_2024). This report does not provide unequivocal conclusions about association of the variant with Three M Syndrome 2. To our knowledge, no experimental evidence demonstrating an impact on protein function has been reported. The following publication has been ascertained in the context of this evaluation (PMID: 38576808). ClinVar contains an entry for this variant (Variation ID: 2429255). Based on the evidence outlined above, the variant was classified as uncertain significance.

Literature cited by the submitters: PubMed 38576808.